The following is an entry in ClinVar:

ClinVar aggregate classification (germline): Uncertain significance. Review status: criteria provided, multiple submitters, no conflicts (2 of 4 stars). 3 submissions from 3 submitters: Uncertain significance (3). Last evaluated 2026-01-15.

Conditions:
Anemia, nonspherocytic hemolytic, due to G6PD deficiency (CNSHA1). Also called: Class I glucose-6-phosphate dehydrogenase deficiency; Favism, susceptibility to; Hemolytic anemia due to G6PD deficiency; ANEMIA, CONGENITAL, NONSPHEROCYTIC HEMOLYTIC, 1. Identifiers: Orphanet 466026, MedGen C2720289, MONDO:0010480, OMIM 300908.

Submissions (3):

Labcorp Genetics (formerly Invitae), Labcorp
Classification: Uncertain significance for Anemia, nonspherocytic hemolytic, due to G6PD deficiency. Last evaluated: 2026-01-15. Review status: criteria provided, single submitter. Criteria: Invitae Variant Classification Sherloc (09022015). Collection method: clinical testing. Allele origin: germline.
Comment: This sequence change replaces aspartic acid, which is acidic and polar, with asparagine, which is neutral and polar, at codon 251 of the G6PD protein (p.Asp251Asn). This variant is present in population databases (rs782324339, gnomAD 0.02%). This missense change has been observed in individual(s) with G6PD deficiency (PMID: 38645242). ClinVar contains an entry for this variant (Variation ID: 3339519). Invitae Evidence Modeling of protein sequence and biophysical properties (such as structural, functional, and spatial information, amino acid conservation, physicochemical variation, residue mobility, and thermodynamic stability) indicates that this missense variant is expected to disrupt G6PD protein function with a positive predictive value of 95%. Experimental studies have shown that this missense change does not substantially affect G6PD function (PMID: 38645242). In summary, the available evidence is currently insufficient to determine the role of this variant in disease. Therefore, it has been classified as a Variant of Uncertain Significance.

Dunham Lab, University of Washington
Classification: Uncertain significance for Anemia, nonspherocytic hemolytic, due to G6PD deficiency. Last evaluated: 2024-09-01. Review status: criteria provided, single submitter. Criteria: ACMG Guidelines, 2015. Collection method: curation, in vitro. Allele origin: unknown, not applicable. Affected: no.
Comment: Reported in a hemizygote with normal activity in red blood cells (BS3_P), but predicted to have reduced function (PP3).

Blueprint Genetics
Classification: Uncertain significance. Last evaluated: 2024-02-23. Review status: criteria provided, single submitter. Criteria: ACMG Guidelines, 2015. Collection method: clinical testing. Allele origin: germline.

Literature cited by the submitters: PubMed 38645242 (cited by Labcorp Genetics (formerly Invitae), Labcorp).

NM_001360016.2(G6PD):c.751G>A (p.Asp251Asn)

Gene: G6PD (glucose-6-phosphate dehydrogenase; minus strand). Cytogenetic location: Xq28.
Variant type: single nucleotide variant.
Coding change: c.751G>A on transcript NM_001360016.2 (MANE Select); coding-DNA position 751, G replaced by A.
Protein change: p.Asp251Asn; replaces aspartic acid 251 with asparagine.
Molecular consequence: missense variant.
Genome position (GRCh38, 1-based): chrX:154,534,054, C>T on the plus strand (G>A on the coding strand, the complement: G6PD is on the minus strand). VCF-style: chrX-154534054-C-T. GRCh37 (hg19) VCF-style: chrX-153762269-C-T.
Other names: c.841G>A, p.Asp281Asn (NM_000402.4); c.751G>A, p.Asp251Asn (NM_001042351.3); short protein forms D251N, D281N.
Identifiers: ClinVar variation 3339519 (VCV003339519.4).
Genomic context (GRCh38, chrX:154,534,054, plus strand): 5'-CACCCTGTGCCAGCCTCCCAGGAGAGAGGAAGAGCTCTCACCGGATGATCCCAAATTCAT[C>T]GAAATAGCCCCCGCGACCCTCAGTGCCAAAGGGCTCCTTGAAGGTGAGGATAACGCAGGC-3'
Protein context (NP_001346945.1, residues 241-261): FGTEGRGGYF[Asp251Asn]EFGIIRDVMQ